The following is an entry in ClinVar:

ClinVar aggregate classification (germline): Uncertain significance (1 of 4 stars; one submission).

Conditions:
Inborn genetic diseases. Identifiers: MedGen C0950123, MeSH D030342.

Submission:

Ambry Genetics
Classification: Uncertain significance for Inborn genetic diseases. Last evaluated: 2026-06-08. Review status: criteria provided, single submitter. Criteria: Ambry Variant Classification Scheme 2023. Collection method: clinical testing. Allele origin: germline.
Comment: The p.T13S variant (also known as c.38C>G), located in coding exon 2 of the DDX41 gene, results from a C to G substitution at nucleotide position 38. The threonine at codon 13 is replaced by serine, an amino acid with similar properties. This amino acid position is not well conserved in available vertebrate species. In addition, this alteration is predicted to be tolerated by in silico analysis. Based on the available evidence, the clinical significance of this variant remains unclear.

NM_016222.4(DDX41):c.38C>G (p.Thr13Ser)

Gene: DDX41 (DEAD-box helicase 41; minus strand). Cytogenetic location: 5q35.3.
Variant type: single nucleotide variant.
Coding change: c.38C>G on transcript NM_016222.4 (MANE Select); coding-DNA position 38, C replaced by G.
Protein change: p.Thr13Ser; replaces threonine 13 with serine.
Molecular consequence: missense variant. On other transcripts: 5 prime UTR variant (2).
Genome position (GRCh38, 1-based): chr5:177,516,825, G>C on the plus strand (C>G on the coding strand, the complement: DDX41 is on the minus strand). VCF-style: chr5-177516825-G-C. GRCh37 (hg19) VCF-style: chr5-176943826-G-C.
Other names: c.-618C>G (NM_001321732.2); c.-410C>G (NM_001321830.2); short protein forms T13S.
Identifiers: ClinVar variation 4869694 (VCV004869694.1).
Genomic context (GRCh38, chr5:177,516,825, plus strand): 5'-TAGTCCTCGTCGTCCTCATCTTCCGCCTCGGAGCGGCTTCCTCCGGCAGGCACCTCGTCG[G>C]TGCGAGCCCGCTGCAAGCACACGCCAGTCAGGCACGGCCTGCTCCCCTCTTCACGCCCGC-3'
Protein context (NP_057306.2, residues 3-23): ESEPERKRAR[Thr13Ser]DEVPAGGSRS